The following is an entry in ClinVar:

ClinVar aggregate classification (germline): Conflicting classifications of pathogenicity. Review status: criteria provided, conflicting classifications (1 of 4 stars). 3 submissions from 3 submitters: Uncertain significance (2); Likely benign (1). Last evaluated 2026-08-06.

Conditions:
Hereditary cancer-predisposing syndrome. Also called: Neoplastic Syndromes, Hereditary; Hereditary Cancer Syndrome; Hereditary neoplastic syndrome; Tumor predisposition. Identifiers: Orphanet 140162, MedGen C0027672, MeSH D009386, MONDO:0015356.
Retinoblastoma (RB1). Also called: RETINOBLASTOMA, SOMATIC. Identifiers: Orphanet 790, MedGen C0035335, MeSH D012175, MONDO:0008380, OMIM 180200, HP:0009919. Disease mechanism: loss of function. Inheritance: Both sporadic and heritable forms are tested..

Allele frequency attached by ClinVar (database versions not stated): gnomAD exomes below 0.00001; TOPMed below 0.00001; gnomAD 0.00001.
gnomAD v4.1: 2 of 1,601,690 alleles (0.00012%); highest among the groups gnomAD compares: Non-Finnish European, 0.00017%; no homozygotes.

Submissions (3):

Ambry Genetics
Classification: Likely benign for Hereditary cancer-predisposing syndrome. Last evaluated: 2026-08-06. Review status: criteria provided, single submitter. Criteria: Ambry Variant Classification Scheme 2023. Collection method: clinical testing. Allele origin: germline.

Color Diagnostics, LLC DBA Color Health
Classification: Uncertain significance for Retinoblastoma. Last evaluated: 2025-06-29. Review status: criteria provided, single submitter. Criteria: ACMG Guidelines, 2015. Collection method: clinical testing. Allele origin: germline.
Comment: This missense variant replaces threonine with alanine at codon 183 of the RB1 protein. Computational prediction suggests that this variant may not impact protein structure and function. To our knowledge, functional studies have not been reported for this variant. This variant has not been reported in individuals affected with RB1-related disorders in the literature. This variant has not been identified in the general population by the Genome Aggregation Database (gnomAD). The available evidence is insufficient to determine the role of this variant in disease conclusively. Therefore, this variant is classified as a Variant of Uncertain Significance.

Labcorp Genetics (formerly Invitae), Labcorp
Classification: Uncertain significance for Retinoblastoma. Last evaluated: 2025-05-19. Review status: criteria provided, single submitter. Criteria: Invitae Variant Classification Sherloc (09022015). Collection method: clinical testing. Allele origin: germline.
Comment: This sequence change replaces threonine, which is neutral and polar, with alanine, which is neutral and non-polar, at codon 183 of the RB1 protein (p.Thr183Ala). This variant is not present in population databases (gnomAD no frequency). This variant has not been reported in the literature in individuals affected with RB1-related conditions. ClinVar contains an entry for this variant (Variation ID: 648906). Invitae Evidence Modeling of protein sequence and biophysical properties (such as structural, functional, and spatial information, amino acid conservation, physicochemical variation, residue mobility, and thermodynamic stability) indicates that this missense variant is not expected to disrupt RB1 protein function with a negative predictive value of 80%. In summary, the available evidence is currently insufficient to determine the role of this variant in disease. Therefore, it has been classified as a Variant of Uncertain Significance.

NM_000321.3(RB1):c.547A>G (p.Thr183Ala)

Gene: RB1 (RB transcriptional corepressor 1; plus strand). Cytogenetic location: 13q14.2.
Variant type: single nucleotide variant.
Coding change: c.547A>G on transcript NM_000321.3 (MANE Select); coding-DNA position 547, A replaced by G.
Protein change: p.Thr183Ala; replaces threonine 183 with alanine.
Molecular consequence: missense variant.
Genome position (GRCh38, 1-based): chr13:48,348,963, A>G. VCF-style: chr13-48348963-A-G. GRCh37 (hg19) VCF-style: chr13-48923099-A-G.
Other names: short protein forms T183A.
Identifiers: ClinVar variation 648906 (VCV000648906.15), dbSNP rs1593437952, ClinGen allele CA388156891.